The following is an entry in ClinVar:

NM_001376.5(DYNC1H1):c.13707G>A (p.Thr4569=)

Gene: DYNC1H1 (dynein cytoplasmic 1 heavy chain 1; plus strand). Cytogenetic location: 14q32.31.
Variant type: single nucleotide variant.
Coding change: c.13707G>A on transcript NM_001376.5 (MANE Select); coding-DNA position 13707, G replaced by A.
Protein change: p.Thr4569=; no amino-acid change (threonine 4569 retained).
Molecular consequence: synonymous variant.
Genome position (GRCh38, 1-based): chr14:102,050,093, G>A. VCF-style: chr14-102050093-G-A. GRCh37 (hg19) VCF-style: chr14-102516430-G-A.
Identifiers: ClinVar variation 238995 (VCV000238995.43), dbSNP rs138571942, ClinGen allele CA7354339.

ClinVar aggregate classification (germline): Benign/Likely benign. Review status: criteria provided, multiple submitters, no conflicts (2 of 4 stars). 9 submissions from 8 submitters: Benign (2); Likely benign (7). Last evaluated 2026-04-01.

Conditions:
Autosomal dominant cerebellar ataxia. Also called: Spinocerebellar Ataxia, Dominant. Identifiers: Orphanet 99, MedGen C4087347, MONDO:0020380.
Inborn genetic diseases. Identifiers: MedGen C0950123, MeSH D030342.
Charcot-Marie-Tooth disease. Also called: Charcot-Marie-Tooth Neuropathy; Charcot-Marie-Tooth Hereditary Neuropathy. Identifiers: Orphanet 166, MedGen C0007959, MONDO:0015626.
Charcot-Marie-Tooth disease axonal type 2O. Also called: Charcot-Marie-Tooth disease, axonal, type 20; CHARCOT-MARIE-TOOTH NEUROPATHY, AXONAL, TYPE 2O; CHARCOT-MARIE-TOOTH DISEASE, AXONAL, AUTOSOMAL DOMINANT, TYPE 2O; Charcot-Marie-Tooth Neuropathy Type 2O. Identifiers: Orphanet 284232, MedGen C3280220, MONDO:0013644, OMIM 614228.

Allele frequency attached by ClinVar (database versions not stated): ESP Exome Variant Server 0.00008; TOPMed 0.00014; gnomAD 0.00023 and 0.00026; 1000 Genomes Project 0.00040; 1000 Genomes Project 30x 0.00062.
gnomAD v4.1: 412 of 1,554,052 alleles (0.027%); highest among the groups gnomAD compares: Middle Eastern, 0.17%; 2 homozygotes.

Submissions (9):

CeGaT Center for Human Genetics Tuebingen
Classification: Likely benign. Last evaluated: 2026-04-01. Review status: criteria provided, single submitter. Criteria: CeGaT Center For Human Genetics Tuebingen Variant Classification Criteria Version 2. Collection method: clinical testing. Allele origin: germline. Affected: yes. Observed: 3 variant alleles.
Comment: DYNC1H1: BP4, BP7, BS1

Labcorp Genetics (formerly Invitae), Labcorp
Classification: Benign for Charcot-Marie-Tooth disease axonal type 2O. Last evaluated: 2026-01-12. Review status: criteria provided, single submitter. Criteria: Invitae Variant Classification Sherloc (09022015). Collection method: clinical testing. Allele origin: germline.

Blueprint Genetics
Classification: Likely benign. Last evaluated: 2024-10-04. Review status: criteria provided, single submitter. Criteria: ACMG Guidelines, 2015. Collection method: clinical testing. Allele origin: germline.

GeneDx
Classification: Benign. Last evaluated: 2020-06-25. Review status: criteria provided, single submitter. Criteria: GeneDx Variant Classification Process June 2021. Collection method: clinical testing. Allele origin: germline. Affected: yes.

Ambry Genetics
Classification: Likely benign for Inborn genetic diseases. Last evaluated: 2018-11-26. Review status: criteria provided, single submitter. Criteria: Ambry Variant Classification Scheme 2023. Collection method: clinical testing. Allele origin: germline.

Illumina Laboratory Services, Illumina
Classification: Likely benign for Charcot-Marie-Tooth disease axonal type 2O. Last evaluated: 2018-01-13. Review status: criteria provided, single submitter. Criteria: ICSL Variant Classification Criteria 13 December 2019. Collection method: clinical testing. Allele origin: germline.
Comment: This variant was observed in the ICSL laboratory as part of a predisposition screen in an ostensibly healthy population. It had not been previously curated by ICSL or reported in the Human Gene Mutation Database (HGMD: prior to June 1st, 2018), and was therefore a candidate for classification through an automated scoring system. Utilizing variant allele frequency, disease prevalence and penetrance estimates, and inheritance mode, an automated score was calculated to assess if this variant is too frequent to cause the disease. Based on the score and internal cut-off values, a variant classified as likely benign is not then subjected to further curation. The score for this variant resulted in a classification of likely benign for this disease.

Illumina Laboratory Services, Illumina
Classification: Likely benign for Spinocerebellar Ataxia, Dominant. Last evaluated: 2018-01-13. Review status: criteria provided, single submitter. Criteria: ICSL Variant Classification Criteria 13 December 2019. Collection method: clinical testing. Allele origin: germline.
Comment: the same text as in the submission from Illumina Laboratory Services, Illumina above.

ARUP Laboratories, Molecular Genetics and Genomics, ARUP Laboratories
Classification: Likely benign. Last evaluated: 2017-05-26. Review status: criteria provided, single submitter. Criteria: ARUP Molecular Germline Variant Investigation Process. Collection method: clinical testing. Allele origin: germline.
Comment: The c.13707G>A variant (rs138571942) does not alter the amino acid sequence of the DYNC1H1 protein and computational splice site prediction algorithms do not predict a change in the nearest splice site or creation of a cryptic splice site. This variant has not been reported in association with hereditary neuropathy in medical literature or in gene specific variation databases. This variant is listed in the Exome Aggregation Consortium Browser with an overall population frequency of 0.047 percent (identified on 57 out of 121,390 chromosomes). Based on these observations, the c.13707G>A variant is likely to be benign.

Molecular Genetics Laboratory, London Health Sciences Centre
Classification: Likely benign for Charcot-Marie-Tooth disease. Review status: criteria provided, single submitter. Criteria: ACMG Guidelines, 2015. Collection method: clinical testing. Allele origin: germline. Affected: yes.